The following is an entry in ClinVar:

NM_178822.5(IGSF10):c.1847A>G (p.Tyr616Cys)

Gene: IGSF10 (immunoglobulin superfamily member 10; minus strand). Cytogenetic location: 3q25.1.
Variant type: single nucleotide variant.
Coding change: c.1847A>G on transcript NM_178822.5 (MANE Select); coding-DNA position 1847, A replaced by G.
Protein change: p.Tyr616Cys; replaces tyrosine 616 with cysteine.
Molecular consequence: missense variant.
Genome position (GRCh38, 1-based): chr3:151,448,134, T>C on the plus strand (A>G on the coding strand, the complement: IGSF10 is on the minus strand). VCF-style: chr3-151448134-T-C. GRCh37 (hg19) VCF-style: chr3-151165922-T-C.
Other names: c.1847A>G, p.Tyr616Cys (NM_001385060.1, NM_001385061.1, NM_001385062.1 and 1 more transcripts); short protein forms Y616C.
Identifiers: ClinVar variation 2221971 (VCV002221971.3), dbSNP rs184438763, ClinGen allele CA2670462.
Genomic context (GRCh38, chr3:151,448,134, plus strand): 5'-GTGACCTGTAATATTCTTAATGTGCCATTGTTTAGAACTTTCTTGTCTCTTGATGACTGA[T>C]AGAGCACATTGTTTCCTGGAATAACCCAGCTAATAGAGGCATCTGGGATACCAGTAGAAT-3'
Protein context (NP_849144.2, residues 606-626): SWVIPGNNVL[Tyr616Cys]QSSRDKKVLN

ClinVar aggregate classification (germline): Uncertain significance. Review status: criteria provided, multiple submitters, no conflicts (2 of 4 stars). 2 submissions from 2 submitters: Uncertain significance (2). Last evaluated 2025-06-10.

Allele frequency attached by ClinVar (database versions not stated): TOPMed below 0.00001; gnomAD 0.00001; gnomAD exomes 0.00001; ExAC 0.00003; 1000 Genomes Project 0.00020; 1000 Genomes Project 30x 0.00031.
gnomAD v4.1: 19 of 1,614,196 alleles (0.0012%); highest among the groups gnomAD compares: South Asian, 0.015%; no homozygotes.

Submissions (2):

Labcorp Genetics (formerly Invitae), Labcorp
Classification: Uncertain significance. Last evaluated: 2025-06-10. Review status: criteria provided, single submitter. Criteria: Invitae Variant Classification Sherloc (09022015). Collection method: clinical testing. Allele origin: germline.
Comment: This sequence change replaces tyrosine, which is neutral and polar, with cysteine, which is neutral and slightly polar, at codon 616 of the IGSF10 protein (p.Tyr616Cys). This variant is present in population databases (rs184438763, gnomAD 0.02%). This variant has not been reported in the literature in individuals affected with IGSF10-related conditions. ClinVar contains an entry for this variant (Variation ID: 2221971). An algorithm developed to predict the effect of missense changes on protein structure and function outputs the following: PolyPhen-2: "Benign". The cysteine amino acid residue is found in multiple mammalian species, which suggests that this missense change does not adversely affect protein function. In summary, the available evidence is currently insufficient to determine the role of this variant in disease. Therefore, it has been classified as a Variant of Uncertain Significance.

Ambry Genetics
Classification: Uncertain significance. Last evaluated: 2022-02-24. Review status: criteria provided, single submitter. Criteria: Ambry Variant Classification Scheme 2023. Collection method: clinical testing. Allele origin: germline.